The following is an entry in ClinVar:

ClinVar aggregate classification (germline): Pathogenic (1 of 4 stars; one submission).

Conditions:
Alport syndrome. Also called: Hemorrhagic familial nephritis; Hemorrhagic hereditary nephritis; Congenital hereditary hematuria. Identifiers: Orphanet 63, MedGen C1567741, MONDO:0018965.

gnomAD v4.1: 1 of 1,613,168 alleles (0.000062%); highest among the groups gnomAD compares: Non-Finnish European, 0.000085%; no homozygotes.

Submission:

Myriad Genetics, Inc.
Classification: Pathogenic for Alport syndrome. Last evaluated: 2026-06-04. Review status: criteria provided, single submitter. Criteria: Myriad Autosomal Dominant, Autosomal Recessive and X-Linked Classification Criteria (2023). Collection method: clinical testing. Allele origin: unknown.
Comment: NM_000091.4(COL4A3):c.4928+1G>A is a variant in a canonical splice site classified as pathogenic in the context of Alport syndrome, COL4A3-related. c.4928+1G>A has not been observed in cases with relevant disease. Relevant functional assessments of this variant are not available in the literature. Internal structural analysis of the variant is supportive of pathogenicity. c.4928+1G>A has not been observed in referenced population frequency databases. In summary, NM_000091.4(COL4A3):c.4928+1G>A is a variant in a canonical splice site in a gene where loss of function is a known mechanism of disease and is predicted to disrupt protein function. Please note: this variant was assessed in the context of healthy population screening.

NM_000091.5(COL4A3):c.4928+1G>A

Genes: COL4A3 (collagen type IV alpha 3 chain; plus strand), MFF-DT (MFF divergent transcript; minus strand). Cytogenetic location: 2q36.3.
Variant type: single nucleotide variant.
Coding change: c.4928+1G>A on transcript NM_000091.5 (MANE Select); the canonical splice donor site of the intron after coding-DNA position 4928, G replaced by A.
Molecular consequence: splice donor variant.
Genome position (GRCh38, 1-based): chr2:227,310,949, G>A. VCF-style: chr2-227310949-G-A. GRCh37 (hg19) VCF-style: chr2-228175665-G-A.
Identifiers: ClinVar variation 5003583 (VCV005003583.1).